The following is an entry in ClinVar:

ClinVar aggregate classification (germline): Pathogenic. Review status: criteria provided, multiple submitters, no conflicts (2 of 4 stars). 3 submissions from 3 submitters: Pathogenic (3). Last evaluated 2024-02-08.

Conditions:
IL2RG-related disorders.
X-linked severe combined immunodeficiency (SCIDX1). Also called: T-B+ severe combined immunodeficiency due to gamma chain deficiency; X-Linked Combined Immunodeficiency Diseases; IMMUNODEFICIENCY 4; SCID, X-LINKED; SEVERE COMBINED IMMUNODEFICIENCY, X-LINKED, T CELL-NEGATIVE, B CELL-POSITIVE, NK CELL-NEGATIVE. Identifiers: Orphanet 276, MedGen C6022468, MONDO:0010315, OMIM 300400. Disease mechanism: loss of function.

Submissions (3):

Blueprint Genetics
Classification: Pathogenic for IL2RG-related disorders. Last evaluated: 2024-02-08. Review status: criteria provided, single submitter. Criteria: ACMG Guidelines, 2015. Collection method: clinical testing. Allele origin: germline. Affected: yes. Observed: 1 variant allele.

GeneDx
Classification: Pathogenic. Last evaluated: 2019-05-28. Review status: criteria provided, single submitter. Criteria: GeneDx Variant Classification Process June 2021. Collection method: clinical testing. Allele origin: germline. Affected: yes.
Comment: Nonsense variant predicted to result in protein truncation or nonsense mediated decay in a gene for which loss-of-function is a known mechanism of disease; Not observed in large population cohorts (Lek et al., 2016); This variant is associated with the following publications: (PMID: 25525159, 9150730, 27593409)

Mendelics
Classification: Pathogenic for X-linked severe combined immunodeficiency. Last evaluated: 2019-05-28. Review status: criteria provided, single submitter. Criteria: Mendelics Assertion Criteria 2017. Collection method: clinical testing. Allele origin: unknown.

NM_000206.3(IL2RG):c.421C>T (p.Gln141Ter)

Gene: IL2RG (interleukin 2 receptor subunit gamma; minus strand). Cytogenetic location: Xq13.1.
Variant type: single nucleotide variant.
Coding change: c.421C>T on transcript NM_000206.3 (MANE Select); coding-DNA position 421, C replaced by T.
Protein change: p.Gln141Ter; replaces glutamine 141 with a stop codon.
Molecular consequence: nonsense.
Genome position (GRCh38, 1-based): chrX:71,110,537, G>A on the plus strand (C>T on the coding strand, the complement: IL2RG is on the minus strand). VCF-style: chrX-71110537-G-A. GRCh37 (hg19) VCF-style: chrX-70330387-G-A.
Other names: short protein forms Q141*.
Identifiers: ClinVar variation 449330 (VCV000449330.6), dbSNP rs1556330713, ClinGen allele CA413496594.